The following is an entry in ClinVar:

NM_000235.4(LIPA):c.346T>C (p.Trp116Arg)

Gene: LIPA (lipase A, lysosomal acid type; minus strand). Cytogenetic location: 10q23.31.
Variant type: single nucleotide variant.
Coding change: c.346T>C on transcript NM_000235.4 (MANE Select); coding-DNA position 346, T replaced by C.
Protein change: p.Trp116Arg; replaces tryptophan 116 with arginine.
Molecular consequence: missense variant. On other transcripts: 5 prime UTR variant (1).
Genome position (GRCh38, 1-based): chr10:89,228,282, A>G on the plus strand (T>C on the coding strand, the complement: LIPA is on the minus strand). VCF-style: chr10-89228282-A-G. GRCh37 (hg19) VCF-style: chr10-90988039-A-G.
Other names: c.361T>C, p.Trp121Arg (NM_001440838.1); c.178T>C, p.Trp60Arg (NM_001440839.1); c.478T>C, p.Trp160Arg (NM_001440836.1); c.346T>C, p.Trp116Arg (NM_001440837.1, NM_001127605.3, NM_001440818.1 and 17 more transcripts); c.-3T>C (NM_001288979.2); short protein forms W60R, W116R, W121R, W160R.
Identifiers: ClinVar variation 4749497 (VCV004749497.1).

ClinVar aggregate classification (germline): Uncertain significance (1 of 4 stars; one submission).

Conditions:
Wolman disease (WOLD). Also called: Acid cholesteryl ester hydrolase deficiency, Wolman type; Acid lipase disease; Wolman disease, CESD; Infantile-Onset LAL-D (Wolman Disease); Wolman disease with hypolipoproteinemia and acanthocytosis; LYSOSOMAL ACID LIPASE DEFICIENCY, ACUTE INFANTILE. Identifiers: Orphanet 75233, MedGen C0043208, MONDO:0019148, OMIM 620151.

Submission:

Labcorp Genetics (formerly Invitae), Labcorp
Classification: Uncertain significance for Wolman disease. Last evaluated: 2025-11-10. Review status: criteria provided, single submitter. Criteria: Invitae Variant Classification Sherloc (09022015). Collection method: clinical testing. Allele origin: germline.
Comment: This sequence change replaces tryptophan, which is neutral and slightly polar, with arginine, which is basic and polar, at codon 116 of the LIPA protein (p.Trp116Arg). This variant is not present in population databases (gnomAD no frequency). This missense change has been observed in individual(s) with lysosomal acid lipase deficiency (internal data). Invitae Evidence Modeling of protein sequence and biophysical properties (such as structural, functional, and spatial information, amino acid conservation, physicochemical variation, residue mobility, and thermodynamic stability) indicates that this missense variant is expected to disrupt LIPA protein function with a positive predictive value of 95%. In summary, the available evidence is currently insufficient to determine the role of this variant in disease. Therefore, it has been classified as a Variant of Uncertain Significance.